The following is an entry in ClinVar:

ClinVar aggregate classification (germline): Benign/Likely benign. Review status: criteria provided, multiple submitters, no conflicts (2 of 4 stars). 5 submissions from 5 submitters: Benign (1); Likely benign (3). 1 of the submissions does not count toward it. Last evaluated 2026-01-13.

Conditions:
NEB-related disorder. Also called: NEB-Related Disorders; NEB-related condition.
Nemaline myopathy 2 (NEM2). Also called: Nemaline myopathy 2, autosomal recessive. Identifiers: MedGen C1850569, MONDO:0009725, OMIM 256030.

Allele frequency attached by ClinVar (database versions not stated): gnomAD exomes 0.00011 and 0.00021; ExAC 0.00022; 1000 Genomes Project 0.00040; 1000 Genomes Project 30x 0.00047; ESP Exome Variant Server 0.00072; gnomAD 0.00099 and 0.00108; TOPMed 0.00127.
gnomAD v4.1: 314 of 1,613,870 alleles (0.019%); highest among the groups gnomAD compares: African/African-American, 0.35%; no homozygotes.

Submissions (5):

Labcorp Genetics (formerly Invitae), Labcorp
Classification: Benign for Nemaline myopathy 2. Last evaluated: 2026-01-13. Review status: criteria provided, single submitter. Criteria: Invitae Variant Classification Sherloc (09022015). Collection method: clinical testing. Allele origin: germline.

Revvity Omics, Revvity
Classification: Likely benign. Last evaluated: 2025-07-14. Review status: criteria provided, single submitter. Criteria: ACMG Guidelines, 2015. Collection method: clinical testing. Allele origin: germline.

CeGaT Center for Human Genetics Tuebingen
Classification: Likely benign. Last evaluated: 2025-01-01. Review status: criteria provided, single submitter. Criteria: CeGaT Center For Human Genetics Tuebingen Variant Classification Criteria Version 2. Collection method: clinical testing. Allele origin: germline. Affected: yes. Observed: 1 variant allele.
Comment: NEB: BP4, BP7

GeneDx
Classification: Likely benign. Last evaluated: 2020-09-04. Review status: criteria provided, single submitter. Criteria: GeneDx Variant Classification Process June 2021. Collection method: clinical testing. Allele origin: germline. Affected: yes.

PreventionGenetics, part of Exact Sciences
Classification: Likely benign for NEB-related condition. Last evaluated: 2019-08-15. Review status: no assertion criteria provided. Collection method: clinical testing. Allele origin: germline. Not counted in ClinVar's aggregate classification.
Comment: This variant is classified as likely benign based on ACMG/AMP sequence variant interpretation guidelines (Richards et al. 2015 PMID: 25741868, with internal and published modifications).

NM_001164508.2(NEB):c.10269G>A (p.Pro3423=)

Gene: NEB (nebulin; minus strand). Cytogenetic location: 2q23.3.
Variant type: single nucleotide variant.
Coding change: c.10269G>A on transcript NM_001164508.2 (MANE Select); coding-DNA position 10269, G replaced by A.
Protein change: p.Pro3423=; no amino-acid change (proline 3423 retained).
Molecular consequence: synonymous variant.
Genome position (GRCh38, 1-based): chr2:151,627,080, C>T on the plus strand (G>A on the coding strand, the complement: NEB is on the minus strand). VCF-style: chr2-151627080-C-T. GRCh37 (hg19) VCF-style: chr2-152483594-C-T.
Other names: c.10269G>A, p.Pro3423= (NM_001164507.2, NM_001271208.2); c.9540G>A, p.Pro3180= (NM_004543.5).
Identifiers: ClinVar variation 465429 (VCV000465429.69), dbSNP rs368719373, ClinGen allele CA1909079.